The following is an entry in ClinVar:

ClinVar aggregate classification (germline): Uncertain significance (1 of 4 stars; one submission).

Conditions:
Charcot-Marie-Tooth disease type 1C. Also called: CMT, SLOW NERVE CONDUCTION TYPE C; HMSN IC; CHARCOT-MARIE-TOOTH NEUROPATHY, TYPE 1C; NEUROPATHY, HEREDITARY MOTOR AND SENSORY, TYPE IC; Charcot-Marie-Tooth disease, type IC; CHARCOT-MARIE-TOOTH DISEASE, DEMYELINATING, TYPE 1C. Identifiers: Orphanet 101083, MedGen C0270913, MONDO:0010995, OMIM 601098.

gnomAD v4.1: 1 of 1,614,134 alleles (0.000062%); highest among the groups gnomAD compares: East Asian, 0.0022%; no homozygotes.

Submission:

Labcorp Genetics (formerly Invitae), Labcorp
Classification: Uncertain significance for Charcot-Marie-Tooth disease type 1C. Last evaluated: 2024-04-29. Review status: criteria provided, single submitter. Criteria: Invitae Variant Classification Sherloc (09022015). Collection method: clinical testing. Allele origin: germline.
Comment: This sequence change replaces threonine, which is neutral and polar, with isoleucine, which is neutral and non-polar, at codon 115 of the LITAF protein (p.Thr115Ile). This variant is not present in population databases (gnomAD no frequency). This variant has not been reported in the literature in individuals affected with LITAF-related conditions. An algorithm developed to predict the effect of missense changes on protein structure and function (PolyPhen-2) suggests that this variant is likely to be disruptive. This variant disrupts the p.Thr115 amino acid residue in LITAF. Other variant(s) that disrupt this residue have been determined to be pathogenic (PMID: 12525712, 23576546, 25058650, 25963657; Invitae). This suggests that this residue is clinically significant, and that variants that disrupt this residue are likely to be disease-causing. In summary, the available evidence is currently insufficient to determine the role of this variant in disease. Therefore, it has been classified as a Variant of Uncertain Significance.

Literature cited by the submitters: PubMed 12525712; PubMed 23576546; PubMed 25058650; PubMed 25963657.

NM_001136472.2(LITAF):c.344C>T (p.Thr115Ile)

Gene: LITAF (lipopolysaccharide induced TNF factor; minus strand). Cytogenetic location: 16p13.13.
Variant type: single nucleotide variant.
Coding change: c.344C>T on transcript NM_001136472.2 (MANE Select); coding-DNA position 344, C replaced by T.
Protein change: p.Thr115Ile; replaces threonine 115 with isoleucine.
Molecular consequence: missense variant. On other transcripts: non-coding transcript variant (1).
Genome position (GRCh38, 1-based): chr16:11,553,566, G>A on the plus strand (C>T on the coding strand, the complement: LITAF is on the minus strand). VCF-style: chr16-11553566-G-A. GRCh37 (hg19) VCF-style: chr16-11647422-G-A.
Other names: c.344C>T, p.Thr115Ile (NM_001136473.1, NM_004862.4); short protein forms T115I.
Identifiers: ClinVar variation 3651455 (VCV003651455.2).
Genomic context (GRCh38, chr16:11,553,566, plus strand): 5'-TTGGGGCCAAGTGGGAGGCAGACTCACCCCAGCAGGCACAGGCTCCCGCAGGACAGCCAG[G>A]TCAGAGCACCGGCGTTATAGGACAGCTGACTCACGATCATCTTGTTGCAGGAAGGACAAC-3'
Protein context (NP_001129944.1, residues 105-125): SQLSYNAGAL[Thr115Ile]WLSCGSLCLL